The following is an entry in ClinVar:

NM_018669.6(WDR4):c.389C>T (p.Ser130Leu)

Gene: WDR4 (WDR4 tRNA N7-guanosine methyltransferase non-catalytic subunit; minus strand). Cytogenetic location: 21q22.3.
Variant type: single nucleotide variant.
Coding change: c.389C>T on transcript NM_018669.6 (MANE Select); coding-DNA position 389, C replaced by T.
Protein change: p.Ser130Leu; replaces serine 130 with leucine.
Molecular consequence: missense variant. On other transcripts: 5 prime UTR variant (3), non-coding transcript variant (1).
Genome position (GRCh38, 1-based): chr21:42,863,504, G>A on the plus strand (C>T on the coding strand, the complement: WDR4 is on the minus strand). VCF-style: chr21-42863504-G-A. GRCh37 (hg19) VCF-style: chr21-44283614-G-A.
Other names: c.389C>T, p.Ser130Leu (NM_001260474.2, NM_033661.5); c.-50C>T (NM_001260475.2, NM_001260476.2, NM_001260477.2 and 1 more transcripts); c.389C>T (NM_018669.4); short protein forms S130L.
Identifiers: ClinVar variation 2040776 (VCV002040776.4), dbSNP rs566279074, ClinGen allele CA10046145.

ClinVar aggregate classification (germline): Uncertain significance. Review status: criteria provided, multiple submitters, no conflicts (2 of 4 stars). 2 submissions from 2 submitters: Uncertain significance (2). Last evaluated 2024-12-13.

Conditions:
Inborn genetic diseases. Identifiers: MedGen C0950123, MeSH D030342.

Allele frequency attached by ClinVar (database versions not stated): gnomAD exomes 0.00003; ExAC 0.00007; TOPMed 0.00013; gnomAD 0.00015; 1000 Genomes Project 30x 0.00031; 1000 Genomes Project 0.00040.
gnomAD v4.1: 68 of 1,613,928 alleles (0.0042%); highest among the groups gnomAD compares: African/African-American, 0.041%; no homozygotes.

Submissions (2):

Ambry Genetics
Classification: Uncertain significance for Inborn genetic diseases. Last evaluated: 2024-12-13. Review status: criteria provided, single submitter. Criteria: Ambry Variant Classification Scheme 2023. Collection method: clinical testing. Allele origin: germline.

Labcorp Genetics (formerly Invitae), Labcorp
Classification: Uncertain significance. Last evaluated: 2022-09-12. Review status: criteria provided, single submitter. Criteria: Invitae Variant Classification Sherloc (09022015). Collection method: clinical testing. Allele origin: germline.
Comment: This sequence change replaces serine, which is neutral and polar, with leucine, which is neutral and non-polar, at codon 130 of the WDR4 protein (p.Ser130Leu). This variant is present in population databases (rs566279074, gnomAD 0.05%). This variant has not been reported in the literature in individuals affected with WDR4-related conditions. Advanced modeling of protein sequence and biophysical properties (such as structural, functional, and spatial information, amino acid conservation, physicochemical variation, residue mobility, and thermodynamic stability) performed at Invitae indicates that this missense variant is expected to disrupt WDR4 protein function. In summary, the available evidence is currently insufficient to determine the role of this variant in disease. Therefore, it has been classified as a Variant of Uncertain Significance.

Literature cited by the submitters: PubMed 28707430 (cited by Ambry Genetics).